The following is an entry in ClinVar:

NM_003392.7(WNT5A):c.983C>T (p.Thr328Met)

Gene: WNT5A (Wnt family member 5A; minus strand). Cytogenetic location: 3p14.3.
Variant type: single nucleotide variant.
Coding change: c.983C>T on transcript NM_003392.7 (MANE Select); coding-DNA position 983, C replaced by T.
Protein change: p.Thr328Met; replaces threonine 328 with methionine.
Molecular consequence: missense variant.
Genome position (GRCh38, 1-based): chr3:55,470,252, G>A on the plus strand (C>T on the coding strand, the complement: WNT5A is on the minus strand). VCF-style: chr3-55470252-G-A. GRCh37 (hg19) VCF-style: chr3-55504280-G-A.
Other names: c.983C>T (NM_003392.3); c.938C>T, p.Thr313Met (NM_001256105.1, NM_001377271.1, NM_001377272.1); short protein forms T328M, T313M.
Identifiers: ClinVar variation 2988673 (VCV002988673.4), dbSNP rs201975128, ClinGen allele CA2458926.

ClinVar aggregate classification (germline): Uncertain significance. Review status: criteria provided, multiple submitters, no conflicts (2 of 4 stars). 2 submissions from 2 submitters: Uncertain significance (2). Last evaluated 2024-08-26.

Conditions:
Inborn genetic diseases. Identifiers: MedGen C0950123, MeSH D030342.

Allele frequency attached by ClinVar (database versions not stated): gnomAD 0.00001; TOPMed 0.00001; gnomAD exomes 0.00002; ExAC 0.00003; 1000 Genomes Project 0.00020; 1000 Genomes Project 30x 0.00031.
gnomAD v4.1: 24 of 1,614,086 alleles (0.0015%); highest among the groups gnomAD compares: South Asian, 0.0044%; no homozygotes.

Submissions (2):

Ambry Genetics
Classification: Uncertain significance for Inborn genetic diseases. Last evaluated: 2024-08-26. Review status: criteria provided, single submitter. Criteria: Ambry Variant Classification Scheme 2023. Collection method: clinical testing. Allele origin: germline.

Labcorp Genetics (formerly Invitae), Labcorp
Classification: Uncertain significance. Last evaluated: 2023-10-09. Review status: criteria provided, single submitter. Criteria: Invitae Variant Classification Sherloc (09022015). Collection method: clinical testing. Allele origin: germline.
Comment: This sequence change replaces threonine, which is neutral and polar, with methionine, which is neutral and non-polar, at codon 328 of the WNT5A protein (p.Thr328Met). This variant is present in population databases (rs201975128, gnomAD 0.007%). This variant has not been reported in the literature in individuals affected with WNT5A-related conditions. Advanced modeling of protein sequence and biophysical properties (such as structural, functional, and spatial information, amino acid conservation, physicochemical variation, residue mobility, and thermodynamic stability) has been performed at Invitae for this missense variant, however the output from this modeling did not meet the statistical confidence thresholds required to predict the impact of this variant on WNT5A protein function. In summary, the available evidence is currently insufficient to determine the role of this variant in disease. Therefore, it has been classified as a Variant of Uncertain Significance.